The following is an entry in ClinVar:

NM_000051.4(ATM):c.8269-7A>G

Genes: ATM (ATM serine/threonine kinase; plus strand), C11orf65 (chromosome 11 open reading frame 65; minus strand). Cytogenetic location: 11q22.3.
Variant type: single nucleotide variant.
Coding change: c.8269-7A>G on transcript NM_000051.4 (MANE Select); 7 bases into the intron before coding-DNA position 8269, A replaced by G.
Molecular consequence: intron variant.
Genome position (GRCh38, 1-based): chr11:108,343,215, A>G. VCF-style: chr11-108343215-A-G. GRCh37 (hg19) VCF-style: chr11-108213942-A-G.
Other names: c.8269-7A>G (NM_001351834.2); c.641-34144T>C (NM_001330368.2); c.695-7923T>C (NM_001351110.2).
Identifiers: ClinVar variation 1001835 (VCV001001835.9), dbSNP rs2087803205, ClinGen allele CA1998816003.

ClinVar aggregate classification (germline): Uncertain significance (1 of 4 stars; one submission).

Conditions:
Ataxia-telangiectasia syndrome (AT). Also called: Ataxia-telangiectasia, complementation group D; AT, COMPLEMENTATION GROUP C; ATAXIA-TELANGIECTASIA, COMPLEMENTATION GROUP A; ATAXIA-TELANGIECTASIA, FRESNO VARIANT; Ataxia-telangiectasia; Ataxia telangiectasia (A-T). Identifiers: Orphanet 100, MedGen C0004135, MONDO:0008840, OMIM 208900.

Allele frequency attached by ClinVar (database versions not stated): gnomAD exomes below 0.00001.
gnomAD v4.1: 1 of 1,613,790 alleles (0.000062%); highest among the groups gnomAD compares: South Asian, 0.0011%; no homozygotes.

Submission:

Labcorp Genetics (formerly Invitae), Labcorp
Classification: Uncertain significance for Ataxia-telangiectasia syndrome. Last evaluated: 2025-09-28. Review status: criteria provided, single submitter. Criteria: Invitae Variant Classification Sherloc (09022015). Collection method: clinical testing. Allele origin: germline.
Comment: This sequence change falls in intron 56 of the ATM gene. It does not directly change the encoded amino acid sequence of the ATM protein. RNA analysis indicates that this variant induces altered splicing and likely results in the gain of 2 amino acid residue(s), but is expected to preserve the integrity of the reading-frame. This variant is not present in population databases (gnomAD no frequency). This variant has not been reported in the literature in individuals affected with ATM-related conditions. ClinVar contains an entry for this variant (Variation ID: 1001835). Studies have shown that this variant results in the activation of a cryptic splice site in intron 56 (internal data). In summary, the available evidence is currently insufficient to determine the role of this variant in disease. Therefore, it has been classified as a Variant of Uncertain Significance.